The following is an entry in ClinVar:

NM_018341.3(ERMARD):c.1899C>T (p.Tyr633=)

Gene: ERMARD (ER membrane associated RNA degradation; plus strand). Cytogenetic location: 6q27.
Variant type: single nucleotide variant.
Coding change: c.1899C>T on transcript NM_018341.3 (MANE Select); coding-DNA position 1899, C replaced by T.
Protein change: p.Tyr633=; no amino-acid change (tyrosine 633 retained).
Molecular consequence: synonymous variant.
Genome position (GRCh38, 1-based): chr6:169,781,375, C>T. VCF-style: chr6-169781375-C-T. GRCh37 (hg19) VCF-style: chr6-170181471-C-T.
Other names: c.1758C>T, p.Tyr586= (NM_001278531.2); c.1521C>T, p.Tyr507= (NM_001278532.2); c.1680C>T, p.Tyr560= (NM_001278533.2).
Identifiers: ClinVar variation 387799 (VCV000387799.14), dbSNP rs61747673, ClinGen allele CA4106466.
Genomic context (GRCh38, chr6:169,781,375, plus strand): 5'-ATTTTTTTTTTACAGGTTTGTAAAGTCGATCTTGCAGTACACGGAGAACCTGGTGGCTTA[C>T]ACCAGTTACGAAAAGAACAAGTGGAATGAAACTATCAATCTTACACATACAGCTTTGTTG-3'
Protein context (NP_060811.1, residues 623-643): ILQYTENLVA[Tyr633=]TSYEKNKWNE

ClinVar aggregate classification (germline): Benign/Likely benign. Review status: criteria provided, multiple submitters, no conflicts (2 of 4 stars). 4 submissions from 4 submitters: Benign (1); Likely benign (2). 1 of the submissions does not count toward it. Last evaluated 2025-11-27.

Conditions:
ERMARD-related disorder. Also called: ERMARD-related condition.

Allele frequency attached by ClinVar (database versions not stated): gnomAD exomes 0.00026 and 0.00068; ExAC 0.00088; ESP Exome Variant Server 0.00261; 1000 Genomes Project 0.00280; gnomAD 0.00286 and 0.00315; TOPMed 0.00298; 1000 Genomes Project 30x 0.00328.
gnomAD v4.1: 832 of 1,612,600 alleles (0.052%); highest among the groups gnomAD compares: African/African-American, 1%; 6 homozygotes.

Submissions (4):

Labcorp Genetics (formerly Invitae), Labcorp
Classification: Benign. Last evaluated: 2025-11-27. Review status: criteria provided, single submitter. Criteria: Invitae Variant Classification Sherloc (09022015). Collection method: clinical testing. Allele origin: germline.

Blueprint Genetics
Classification: Likely benign. Last evaluated: 2024-08-28. Review status: criteria provided, single submitter. Criteria: ACMG Guidelines, 2015. Collection method: clinical testing. Allele origin: germline.

GeneDx
Classification: Likely benign. Last evaluated: 2017-05-22. Review status: criteria provided, single submitter. Criteria: GeneDx Variant Classification (06012015). Collection method: clinical testing. Allele origin: germline. Affected: yes.
Comment: This variant is considered likely benign or benign based on one or more of the following criteria: it is a conservative change, it occurs at a poorly conserved position in the protein, it is predicted to be benign by multiple in silico algorithms, and/or has population frequency not consistent with disease.

PreventionGenetics, part of Exact Sciences
Classification: Benign for ERMARD-related condition. Last evaluated: 2019-07-18. Review status: no assertion criteria provided. Collection method: clinical testing. Allele origin: germline. Not counted in ClinVar's aggregate classification.
Comment: This variant is classified as benign based on ACMG/AMP sequence variant interpretation guidelines (Richards et al. 2015 PMID: 25741868, with internal and published modifications).